The following is an entry in ClinVar:

NM_001457.4(FLNB):c.*479G>T

Gene: FLNB (filamin B; plus strand). Cytogenetic location: 3p14.3.
Variant type: single nucleotide variant.
Coding change: c.*479G>T on transcript NM_001457.4 (MANE Select); 479 bases downstream of the stop codon, G replaced by T.
Molecular consequence: 3 prime UTR variant.
Genome position (GRCh38, 1-based): chr3:58,171,241, G>T. VCF-style: chr3-58171241-G-T. GRCh37 (hg19) VCF-style: chr3-58156968-G-T.
Other names: c.*479G>T (NM_001164317.2, NM_001164318.2, NM_001164319.2).
Identifiers: ClinVar variation 346373 (VCV000346373.5), dbSNP rs9880897, ClinGen allele CA10616522.

ClinVar aggregate classification (germline): Benign (1 of 4 stars; one submission).

Conditions:
FLNB-Related Spectrum Disorders.

Allele frequency attached by ClinVar (database versions not stated): gnomAD exomes 0.00170; gnomAD 0.02143 and 0.02305; 1000 Genomes Project 0.02256; TOPMed 0.02464; 1000 Genomes Project 30x 0.02514.
gnomAD v4.1: 3,292 of 188,962 alleles (1.7%); highest among the groups gnomAD compares: African/African-American, 7.3%; 107 homozygotes.

Submission:

Illumina Laboratory Services, Illumina
Classification: Benign for FLNB-Related Spectrum Disorders. Last evaluated: 2018-01-12. Review status: criteria provided, single submitter. Criteria: ICSL Variant Classification Criteria 13 December 2019. Collection method: clinical testing. Allele origin: germline.
Comment: This variant was observed in the ICSL laboratory as part of a predisposition screen in an ostensibly healthy population. It had not been previously curated by ICSL or reported in the Human Gene Mutation Database (HGMD: prior to June 1st, 2018), and was therefore a candidate for classification through an automated scoring system. Utilizing variant allele frequency, disease prevalence and penetrance estimates, and inheritance mode, an automated score was calculated to assess if this variant is too frequent to cause the disease. Based on the score and internal cut-off values, a variant classified as benign is not then subjected to further curation. The score for this variant resulted in a classification of benign for this disease.